The following is an entry in ClinVar:

NM_006642.5(SDCCAG8):c.283A>G (p.Arg95Gly)

Gene: SDCCAG8 (SHH signaling and ciliogenesis regulator SDCCAG8; plus strand). Cytogenetic location: 1q43.
Variant type: single nucleotide variant.
Coding change: c.283A>G on transcript NM_006642.5 (MANE Select); coding-DNA position 283, A replaced by G.
Protein change: p.Arg95Gly; replaces arginine 95 with glycine.
Molecular consequence: missense variant. On other transcripts: 5 prime UTR variant (4).
Genome position (GRCh38, 1-based): chr1:243,271,040, A>G. VCF-style: chr1-243271040-A-G. GRCh37 (hg19) VCF-style: chr1-243434342-A-G.
Other names: c.-830A>G (NM_001350246.2); c.-718A>G (NM_001350247.2); c.283A>G, p.Arg95Gly (NM_001350248.2); c.-12A>G (NM_001350249.2); c.-1091A>G (NM_001350251.2); short protein forms R95G.
Identifiers: ClinVar variation 999475 (VCV000999475.11), dbSNP rs377564587, ClinGen allele CA1483258.

ClinVar aggregate classification (germline): Uncertain significance. Review status: criteria provided, multiple submitters, no conflicts (2 of 4 stars). 6 submissions from 6 submitters: Uncertain significance (6). Last evaluated 2026-05-29.

Conditions:
Inborn genetic diseases. Identifiers: MedGen C0950123, MeSH D030342.
Bardet-Biedl syndrome 16 (BBS16). Identifiers: Orphanet 110, MedGen C3889474, MONDO:0014444, OMIM 615993.
Senior-Loken syndrome 7 (SLSN7). Identifiers: Orphanet 3156, MedGen C3150877, MONDO:0013326, OMIM 613615.
SDCCAG8-related disorder. Also called: SDCCAG8-Related Disorders; SDCCAG8-related condition.
Kidney disorder. Also called: renal disease; renal disorder; Nephropathy; Kidney disease; Kidney Diseases. Identifiers: MedGen C0022658, MONDO:0005240, HP:0000112.

Allele frequency attached by ClinVar (database versions not stated): ExAC 0.00003; gnomAD exomes 0.00004 and 0.00009; gnomAD 0.00005 and 0.00006; ESP Exome Variant Server 0.00008; TOPMed 0.00008.
gnomAD v4.1: 141 of 1,612,688 alleles (0.0087%); highest among the groups gnomAD compares: Non-Finnish European, 0.012%; no homozygotes.

Submissions (6):

PreventionGenetics, part of Exact Sciences
Classification: Uncertain significance for SDCCAG8-related condition. Last evaluated: 2026-05-29. Review status: criteria provided, single submitter. Criteria: ACMG Guidelines, 2015. Collection method: clinical testing. Allele origin: germline.
Comment: The SDCCAG8 c.283A>G variant is predicted to result in the amino acid substitution p.Arg95Gly. To our knowledge, this variant has not been reported in the literature. This variant is reported in 0.0080% of alleles in individuals of African descent in gnomAD. At this time, the clinical significance of this variant is uncertain due to the absence of conclusive functional and genetic evidence.

Ambry Genetics
Classification: Uncertain significance for Inborn genetic diseases. Last evaluated: 2025-06-18. Review status: criteria provided, single submitter. Criteria: Ambry Variant Classification Scheme 2023. Collection method: clinical testing. Allele origin: germline.

Fulgent Genetics
Classification: Uncertain significance for Senior-Loken syndrome 7; Bardet-Biedl syndrome 16. Last evaluated: 2024-06-24. Review status: criteria provided, single submitter. Criteria: ACMG Guidelines, 2015. Collection method: clinical testing. Allele origin: germline.

Blueprint Genetics
Classification: Uncertain significance. Last evaluated: 2024-05-30. Review status: criteria provided, single submitter. Criteria: ACMG Guidelines, 2015. Collection method: clinical testing. Allele origin: germline.

Labcorp Genetics (formerly Invitae), Labcorp
Classification: Uncertain significance for Bardet-Biedl syndrome 16; Senior-Loken syndrome 7. Last evaluated: 2022-09-19. Review status: criteria provided, single submitter. Criteria: Invitae Variant Classification Sherloc (09022015). Collection method: clinical testing. Allele origin: germline.
Comment: This sequence change replaces arginine, which is basic and polar, with glycine, which is neutral and non-polar, at codon 95 of the SDCCAG8 protein (p.Arg95Gly). This variant is present in population databases (rs377564587, gnomAD 0.008%). This variant has not been reported in the literature in individuals affected with SDCCAG8-related conditions. ClinVar contains an entry for this variant (Variation ID: 999475). Advanced modeling of protein sequence and biophysical properties (such as structural, functional, and spatial information, amino acid conservation, physicochemical variation, residue mobility, and thermodynamic stability) performed at Invitae indicates that this missense variant is not expected to disrupt SDCCAG8 protein function. In summary, the available evidence is currently insufficient to determine the role of this variant in disease. Therefore, it has been classified as a Variant of Uncertain Significance.

Genome Diagnostics Laboratory, The Hospital for Sick Children
Classification: Uncertain significance for Kidney disorder. Last evaluated: 2016-12-12. Review status: criteria provided, single submitter. Criteria: ACMG Guidelines, 2015. Collection method: clinical testing. Allele origin: germline.